The following is an entry in ClinVar:

ClinVar aggregate classification (germline): Uncertain significance (1 of 4 stars; one submission).

Submission:

Women's Health and Genetics/Laboratory Corporation of America, LabCorp
Classification: Uncertain significance. Last evaluated: 2024-09-23. Review status: criteria provided, single submitter. Criteria: LabCorp Variant Classification Summary - May 2015. Collection method: clinical testing. Allele origin: germline.
Comment: Variant summary: CPA6 c.317A>G (p.Lys106Arg) results in a conservative amino acid change located in the Carboxypeptidase, activation peptide domain (IPR003146) of the encoded protein sequence. Four of five in-silico tools predict a benign effect of the variant on protein function. Consensus agreement among computation tools predict no significant impact on normal splicing. However, these predictions have yet to be confirmed by functional studies. The variant was absent in 243262 control chromosomes. The available data on variant occurrences in the general population are insufficient to allow any conclusion about variant significance. To our knowledge, no occurrence of c.317A>G in individuals affected with CPA6-Related Disorders and no experimental evidence demonstrating its impact on protein function have been reported. No submitters have cited clinical-significance assessments for this variant to ClinVar. Based on the evidence outlined above, the variant was classified as uncertain significance.

NM_020361.5(CPA6):c.317A>G (p.Lys106Arg)

Gene: CPA6 (carboxypeptidase A6; minus strand). Cytogenetic location: 8q13.2.
Variant type: single nucleotide variant.
Coding change: c.317A>G on transcript NM_020361.5 (MANE Select); coding-DNA position 317, A replaced by G.
Protein change: p.Lys106Arg; replaces lysine 106 with arginine.
Molecular consequence: missense variant.
Genome position (GRCh38, 1-based): chr8:67,517,923, T>C on the plus strand (A>G on the coding strand, the complement: CPA6 is on the minus strand). VCF-style: chr8-67517923-T-C. GRCh37 (hg19) VCF-style: chr8-68430158-T-C.
Other names: short protein forms K106R.
Identifiers: ClinVar variation 3375308 (VCV003375308.1).